The following is an entry in ClinVar:

ClinVar aggregate classification (germline): Uncertain significance. Review status: criteria provided, multiple submitters, no conflicts (2 of 4 stars). 2 submissions from 2 submitters: Uncertain significance (2). Last evaluated 2026-04-22.

Conditions:
DNMT3A-related disorder. Also called: DNMT3A-related disorders; DNMT3A-related condition.
Tatton-Brown-Rahman overgrowth syndrome. Also called: Tatton-Brown-Rahman syndrome; Tall stature-intellectual disability-facial dysmorphism syndrome. Identifiers: Orphanet 404443, MedGen C4014545, MONDO:0014382, OMIM 615879.

gnomAD v4.1: 36 of 1,533,584 alleles (0.0023%); highest among the groups gnomAD compares: Admixed American, 0.0043%; no homozygotes.

Submissions (2):

PreventionGenetics, part of Exact Sciences
Classification: Uncertain significance for DNMT3A-related condition. Last evaluated: 2026-04-22. Review status: criteria provided, single submitter. Criteria: ACMG Guidelines, 2015. Collection method: clinical testing. Allele origin: germline.
Comment: The DNMT3A c.194C>T variant is predicted to result in the amino acid substitution p.Thr65Met. To our knowledge, this variant has not been reported in the literature. This variant is reported in 0.0068% of alleles in individuals of African descent in gnomAD. At this time, the clinical significance of this variant is uncertain due to the absence of conclusive functional and genetic evidence.

Labcorp Genetics (formerly Invitae), Labcorp
Classification: Uncertain significance for Tatton-Brown-Rahman overgrowth syndrome. Last evaluated: 2024-12-28. Review status: criteria provided, single submitter. Criteria: Invitae Variant Classification Sherloc (09022015). Collection method: clinical testing. Allele origin: germline.
Comment: This sequence change replaces threonine, which is neutral and polar, with methionine, which is neutral and non-polar, at codon 65 of the DNMT3A protein (p.Thr65Met). This variant is present in population databases (rs778149141, gnomAD 0.007%). This variant has not been reported in the literature in individuals affected with DNMT3A-related conditions. ClinVar contains an entry for this variant (Variation ID: 2848830). Invitae Evidence Modeling of protein sequence and biophysical properties (such as structural, functional, and spatial information, amino acid conservation, physicochemical variation, residue mobility, and thermodynamic stability) indicates that this missense variant is not expected to disrupt DNMT3A protein function with a negative predictive value of 95%. In summary, the available evidence is currently insufficient to determine the role of this variant in disease. Therefore, it has been classified as a Variant of Uncertain Significance.

NM_022552.5(DNMT3A):c.194C>T (p.Thr65Met)

Gene: DNMT3A (DNA methyltransferase 3 alpha; minus strand). Cytogenetic location: 2p23.3.
Variant type: single nucleotide variant.
Coding change: c.194C>T on transcript NM_022552.5 (MANE Select); coding-DNA position 194, C replaced by T.
Protein change: p.Thr65Met; replaces threonine 65 with methionine.
Molecular consequence: missense variant. On other transcripts: non-coding transcript variant (1).
Genome position (GRCh38, 1-based): chr2:25,282,695, G>A on the plus strand (C>T on the coding strand, the complement: DNMT3A is on the minus strand). VCF-style: chr2-25282695-G-A. GRCh37 (hg19) VCF-style: chr2-25505564-G-A.
Other names: c.194C>T, p.Thr65Met (NM_001320892.2, NM_175629.2, NM_175630.1); short protein forms T65M.
Identifiers: ClinVar variation 2848830 (VCV002848830.4), dbSNP rs778149141, ClinGen allele CA1556512.